The following is an entry in ClinVar:

NM_001379029.1(CERT1):c.1154G>T (p.Ser385Ile)

Gene: CERT1 (ceramide transporter 1; minus strand). Cytogenetic location: 5q13.3.
Variant type: single nucleotide variant.
Coding change: c.1154G>T on transcript NM_001379029.1 (MANE Select); coding-DNA position 1154, G replaced by T.
Protein change: p.Ser385Ile; replaces serine 385 with isoleucine.
Molecular consequence: missense variant. On other transcripts: intron variant (3).
Genome position (GRCh38, 1-based): chr5:75,399,344, C>A on the plus strand (G>T on the coding strand, the complement: CERT1 is on the minus strand). VCF-style: chr5-75399344-C-A. GRCh37 (hg19) VCF-style: chr5-74695169-C-A.
Other names: c.1538G>T, p.Ser513Ile (NM_001130105.1); c.1154G>T, p.Ser385Ile (NM_001379002.1, NM_005713.3); c.1110+861G>T (NM_001379003.1, NM_031361.3, NM_001379004.1); short protein forms S385I, S513I.
Identifiers: ClinVar variation 2574370 (VCV002574370.1), dbSNP rs747847141, ClinGen allele CA360145752.

ClinVar aggregate classification (germline): Uncertain significance (1 of 4 stars; one submission).

gnomAD v4.1: 1 of 1,613,702 alleles (0.000062%); highest among the groups gnomAD compares: Admixed American, 0.0017%; no homozygotes.

Submission:

GeneDx
Classification: Uncertain significance. Last evaluated: 2023-01-31. Review status: criteria provided, single submitter. Criteria: GeneDx Variant Classification Process June 2021. Collection method: clinical testing. Allele origin: germline. Affected: yes.
Comment: Not observed at significant frequency in large population cohorts (gnomAD); In silico analysis supports that this missense variant does not alter protein structure/function; Has not been previously published as pathogenic or benign to our knowledge